The following is an entry in ClinVar:

NM_001206999.2(CIT):c.5212-6T>C

Gene: CIT (citron rho-interacting serine/threonine kinase; minus strand). Cytogenetic location: 12q24.23.
Variant type: single nucleotide variant.
Coding change: c.5212-6T>C on transcript NM_001206999.2 (MANE Select); 6 bases into the intron before coding-DNA position 5212, T replaced by C.
Molecular consequence: intron variant.
Genome position (GRCh38, 1-based): chr12:119,704,461, A>G on the plus strand (T>C on the coding strand, the complement: CIT is on the minus strand). VCF-style: chr12-119704461-A-G. GRCh37 (hg19) VCF-style: chr12-120142266-A-G.
Other names: c.5086-6T>C (NM_007174.3).
Identifiers: ClinVar variation 756036 (VCV000756036.6), dbSNP rs373975278, ClinGen allele CA244343751.

ClinVar aggregate classification (germline): Conflicting classifications of pathogenicity. Review status: criteria provided, conflicting classifications (1 of 4 stars). 3 submissions from 3 submitters: Uncertain significance (1); Likely benign (2). Last evaluated 2026-06-05.

Conditions:
Inborn genetic diseases. Identifiers: MedGen C0950123, MeSH D030342.

Allele frequency attached by ClinVar (database versions not stated): gnomAD exomes 0.00001 and 0.00003; gnomAD 0.00006 and 0.00007; ESP Exome Variant Server 0.00008; TOPMed 0.00011.
gnomAD v4.1: 22 of 1,613,630 alleles (0.0014%); highest among the groups gnomAD compares: African/African-American, 0.024%; no homozygotes.

Submissions (3):

Women's Health and Genetics/Laboratory Corporation of America, LabCorp
Classification: Likely benign. Last evaluated: 2026-06-05. Review status: criteria provided, single submitter. Criteria: LabCorp Variant Classification Summary - May 2015. Collection method: clinical testing. Allele origin: germline.
Comment: Variant summary: CIT c.5212-6T>C alters a nucleotide located at a position not widely known to affect splicing. Consensus agreement among computation tools predict no significant impact on normal splicing. However, these predictions have yet to be confirmed by functional studies. The variant allele was found at a frequency of 2.8e-05 in 251020 control chromosomes. The available data on variant occurrences in the general population are insufficient to allow any conclusion about variant significance. To our knowledge, no occurrence of c.5212-6T>C in individuals affected with CIT-related conditions and no experimental evidence demonstrating its impact on protein function have been reported. ClinVar contains an entry for this variant (Variation ID: 756036). Based on the evidence outlined above, the variant was classified as likely benign.

Ambry Genetics
Classification: Uncertain significance for Inborn genetic diseases. Last evaluated: 2020-12-19. Review status: criteria provided, single submitter. Criteria: Ambry Variant Classification Scheme 2023. Collection method: clinical testing. Allele origin: germline.
Comment: The c.5212-6T>C intronic alteration consists of a T to C substitution 6 nucleotides before coding exon 40 in the CIT gene. Based on insufficient or conflicting evidence, the clinical significance of this alteration remains unclear.

Labcorp Genetics (formerly Invitae), Labcorp
Classification: Likely benign. Last evaluated: 2018-07-06. Review status: criteria provided, single submitter. Criteria: Invitae Variant Classification Sherloc (09022015). Collection method: clinical testing. Allele origin: germline.